The following is an entry in ClinVar:

NM_199242.3(UNC13D):c.2381TGA[1] (p.Met795del)

Gene: UNC13D (unc-13 homolog D; minus strand). Cytogenetic location: 17q25.1.
Variant type: Microsatellite.
Coding change: c.2381TGA[1] on transcript NM_199242.3 (MANE Select); one copy of the 3-base unit TGA starting at c.2381; the reference has two copies in a row; one copy, 3 bases deleted; also written c.2384_2386del.
Protein change: p.Met795del; deletes methionine 795.
Molecular consequence: inframe indel (on NM_199242.2).
Genome position (GRCh38, 1-based): chr17:75,833,027-75,833,029, TCA deleted on the plus strand (TGA on the coding strand, the reverse complement: UNC13D is on the minus strand); deleting any 3 consecutive bases within chr17:75,833,027-75,833,032 gives the same sequence; the position shown is the placement nearest the transcript's 3' end. VCF-style (leftmost placement, unchanged base first): chr17-75833026-TTCA-T. GRCh37 (hg19) VCF-style: chr17-73829107-TTCA-T.
Other names: c.2381_2383TGA[1], p.Met795del (NM_199242.2); c.2384_2386del (NM_199242.2); short protein forms M795del.
Identifiers: ClinVar variation 3572797 (VCV003572797.1).

ClinVar aggregate classification (germline): Uncertain significance (1 of 4 stars; one submission).

Submission:

GeneDx
Classification: Uncertain significance. Last evaluated: 2024-07-09. Review status: criteria provided, single submitter. Criteria: GeneDx Variant Classification Process June 2021. Collection method: clinical testing. Allele origin: germline. Affected: yes.
Comment: Not observed at significant frequency in large population cohorts (gnomAD); In-frame deletion of 1 amino acid in a non-repeat region; In silico analysis supports a deleterious effect on protein structure/function; Has not been previously published as pathogenic or benign to our knowledge